The following is an entry in ClinVar:

NM_003072.5(SMARCA4):c.4171-1852T>C

Gene: SMARCA4 (SWI/SNF related BAF chromatin remodeling complex subunit ATPase 4; plus strand). Cytogenetic location: 19p13.2.
Variant type: single nucleotide variant.
Coding change: c.4171-1852T>C on transcript NM_003072.5 (MANE Select); 1852 bases into the intron before coding-DNA position 4171, T replaced by C.
Molecular consequence: intron variant.
Genome position (GRCh38, 1-based): chr19:11,039,455, T>C. VCF-style: chr19-11039455-T-C. GRCh37 (hg19) VCF-style: chr19-11150131-T-C.
Other names: c.4171-1852T>C (NM_001128844.3); c.4171-3T>C (NM_001128849.3, NM_001387283.1); c.4072-1852T>C (NM_001128847.4, NM_001374457.1, NM_001128848.2); c.4072-3T>C (NM_001411150.1); c.4072-1843T>C (NM_001128845.2, NM_001128846.2).
Identifiers: ClinVar variation 3654846 (VCV003654846.2).

ClinVar aggregate classification (germline): Uncertain significance (1 of 4 stars; one submission).

Conditions:
Rhabdoid tumor predisposition syndrome 2 (RTPS2). Identifiers: Orphanet 231108, Orphanet 69077, MedGen C2750074, MONDO:0013224, OMIM 613325.

Submission:

Labcorp Genetics (formerly Invitae), Labcorp
Classification: Uncertain significance for Rhabdoid tumor predisposition syndrome 2. Last evaluated: 2024-05-28. Review status: criteria provided, single submitter. Criteria: Invitae Variant Classification Sherloc (09022015). Collection method: clinical testing. Allele origin: germline.
Comment: This sequence change falls in intron 29 of the SMARCA4 gene. It does not directly change the encoded amino acid sequence of the SMARCA4 protein. It affects a nucleotide within the consensus splice site. This variant is not present in population databases (gnomAD no frequency). This variant has not been reported in the literature in individuals affected with SMARCA4-related conditions. Variants that disrupt the consensus splice site are a relatively common cause of aberrant splicing (PMID: 17576681, 9536098). Algorithms developed to predict the effect of sequence changes on RNA splicing suggest that this variant is not likely to affect RNA splicing. In summary, the available evidence is currently insufficient to determine the role of this variant in disease. Therefore, it has been classified as a Variant of Uncertain Significance.

Literature cited by the submitters: PubMed 17576681; PubMed 9536098.